The following is an entry in ClinVar:

NM_000264.5(PTCH1):c.*1884CGTG[4]

Gene: PTCH1 (patched 1; minus strand). Cytogenetic location: 9q22.32.
Variant type: Microsatellite.
Coding change: c.*1884CGTG[4] on transcript NM_000264.5 (MANE Select); four copies in a row of the 4-base unit CGTG starting at c.*1884; the reference has three copies in a row; one copy, 4 bases duplicated.
Molecular consequence: 3 prime UTR variant. On other transcripts: non-coding transcript variant (1).
Genome position (GRCh38, 1-based): chr9:95,444,498-95,444,501, CACG duplicated on the plus strand (CGTG on the coding strand, the reverse complement: PTCH1 is on the minus strand); duplicating any 4 consecutive bases within chr9:95,444,498-95,444,512 gives the same sequence; the position shown is the placement nearest the transcript's 3' end. VCF-style (leftmost placement, unchanged base first): chr9-95444497-A-ACACG. GRCh37 (hg19) VCF-style: chr9-98206779-A-ACACG.
Other names: c.*1884CGTG[4] (NM_001083602.3, NM_001083603.3, NM_001083604.3 and 4 more transcripts).
Identifiers: ClinVar variation 1879737 (VCV001879737.29), dbSNP rs767899913, ClinGen allele CA196553214.

ClinVar aggregate classification (germline): Benign (1 of 4 stars; one submission).

Submission:

CeGaT Center for Human Genetics Tuebingen
Classification: Benign. Last evaluated: 2023-05-01. Review status: criteria provided, single submitter. Criteria: CeGaT Center For Human Genetics Tuebingen Variant Classification Criteria Version 2. Collection method: clinical testing. Allele origin: germline. Affected: yes. Observed: 13 variant alleles.
Comment: PTCH1: BS1, BS2